The following is an entry in ClinVar:

ClinVar aggregate classification (germline): Conflicting classifications of pathogenicity. Review status: criteria provided, conflicting classifications (1 of 4 stars). 12 submissions from 12 submitters: Uncertain significance (2); Likely benign (7). 3 of the submissions do not count toward it. Last evaluated 2026-01-25.

Conditions:
PCNT-related disorder. Also called: PCNT-related condition.
Microcephalic osteodysplastic primordial dwarfism type II (MOPD2). Also called: Microcephalic osteodysplastic primordial dwarfism with tooth abnormalities; MOPD II; OSTEODYSPLASTIC PRIMORDIAL DWARFISM, TYPE II. Identifiers: Orphanet 2637, MedGen C0432246, MONDO:0008872, OMIM 210720.
Intellectual disability. Also called: Intellectual developmental disorder; Intellectual functioning disability; intellectual disabilities. Identifiers: MedGen C3714756, MeSH D008607, MONDO:0001071, HP:0001249.

Allele frequency attached by ClinVar (database versions not stated): 1000 Genomes Project 0.00080; 1000 Genomes Project 30x 0.00125; gnomAD exomes 0.00220; ExAC 0.00227; gnomAD 0.00236 and 0.00249; TOPMed 0.00242; ESP Exome Variant Server 0.00277.
gnomAD v4.1: 5,892 of 1,613,720 alleles (0.37%); highest among the groups gnomAD compares: Non-Finnish European, 0.46%; 10 homozygotes.

Submissions (12):

Labcorp Genetics (formerly Invitae), Labcorp
Classification: Likely benign. Last evaluated: 2026-01-25. Review status: criteria provided, single submitter. Criteria: Invitae Variant Classification Sherloc (09022015). Collection method: clinical testing. Allele origin: germline.

ARUP Laboratories, Molecular Genetics and Genomics, ARUP Laboratories
Classification: Likely benign for Microcephalic osteodysplastic primordial dwarfism type II. Last evaluated: 2025-04-17. Review status: criteria provided, single submitter. Criteria: ARUP Molecular Germline Variant Investigation Process 2024. Collection method: clinical testing. Allele origin: germline.

Blueprint Genetics
Classification: Likely benign. Last evaluated: 2024-11-20. Review status: criteria provided, single submitter. Criteria: ACMG Guidelines, 2015. Collection method: clinical testing. Allele origin: germline.

CeGaT Center for Human Genetics Tuebingen
Classification: Likely benign. Last evaluated: 2023-04-01. Review status: criteria provided, single submitter. Criteria: CeGaT Center For Human Genetics Tuebingen Variant Classification Criteria Version 2. Collection method: clinical testing. Allele origin: germline. Affected: yes. Observed: 1 variant allele.
Comment: PCNT: BP4

Cambridge Genomics Laboratory, East Genomic Laboratory Hub, NHS Genomic Medicine Service
Classification: Likely benign for Intellectual disability. Last evaluated: 2020-01-29. Review status: criteria provided, single submitter. Criteria: ACGS Best Practice Guidelines for Variant Classification in Rare Disease 2020. Collection method: clinical testing. Allele origin: germline. Affected: yes. Observed: 1 variant allele.

GeneDx
Classification: Likely benign. Last evaluated: 2018-03-27. Review status: criteria provided, single submitter. Criteria: GeneDx Variant Classification (06012015). Collection method: clinical testing. Allele origin: germline. Affected: yes.
Comment: This variant is considered likely benign or benign based on one or more of the following criteria: it is a conservative change, it occurs at a poorly conserved position in the protein, it is predicted to be benign by multiple in silico algorithms, and/or has population frequency not consistent with disease.

Illumina Laboratory Services, Illumina
Classification: Likely benign for Microcephalic osteodysplastic primordial dwarfism type II. Last evaluated: 2018-01-13. Review status: criteria provided, single submitter. Criteria: ICSL Variant Classification Criteria 13 December 2019. Collection method: clinical testing. Allele origin: germline.
Comment: This variant was observed in the ICSL laboratory as part of a predisposition screen in an ostensibly healthy population. It had not been previously curated by ICSL or reported in the Human Gene Mutation Database (HGMD: prior to June 1st, 2018), and was therefore a candidate for classification through an automated scoring system. Utilizing variant allele frequency, disease prevalence and penetrance estimates, and inheritance mode, an automated score was calculated to assess if this variant is too frequent to cause the disease. Based on the score and internal cut-off values, a variant classified as likely benign is not then subjected to further curation. The score for this variant resulted in a classification of likely benign for this disease.

Genetic Services Laboratory, University of Chicago
Classification: Uncertain significance. Last evaluated: 2016-08-31. Review status: criteria provided, single submitter. Criteria: ACMG Guidelines, 2015. Collection method: clinical testing. Allele origin: germline. Affected: no.

Eurofins Ntd Llc (ga)
Classification: Uncertain significance. Last evaluated: 2015-04-22. Review status: criteria provided, single submitter. Criteria: EGL Classification Definitions 2015. Collection method: clinical testing. Allele origin: germline. Observed: 3 variant alleles, 3 heterozygotes.

PreventionGenetics, part of Exact Sciences
Classification: Likely benign for PCNT-related condition. Last evaluated: 2021-05-26. Review status: no assertion criteria provided. Collection method: clinical testing. Allele origin: germline. Not counted in ClinVar's aggregate classification.
Comment: This variant is classified as likely benign based on ACMG/AMP sequence variant interpretation guidelines (Richards et al. 2015 PMID: 25741868, with internal and published modifications).

Clinical Genetics DNA and cytogenetics Diagnostics Lab, Erasmus MC, Erasmus Medical Center
Classification: Likely benign. Review status: no assertion criteria provided. Collection method: clinical testing. Allele origin: germline. Affected: yes. Study: VKGL Data-share Consensus. Not counted in ClinVar's aggregate classification.

Laboratory of Diagnostic Genome Analysis, Leiden University Medical Center (LUMC)
Classification: Likely benign. Review status: no assertion criteria provided. Collection method: clinical testing. Allele origin: germline. Affected: yes. Study: VKGL Data-share Consensus. Not counted in ClinVar's aggregate classification.

NM_006031.6(PCNT):c.9707G>A (p.Arg3236Gln)

Gene: PCNT (pericentrin; plus strand). Cytogenetic location: 21q22.3.
Variant type: single nucleotide variant.
Coding change: c.9707G>A on transcript NM_006031.6 (MANE Select); coding-DNA position 9707, G replaced by A.
Protein change: p.Arg3236Gln; replaces arginine 3236 with glutamine.
Molecular consequence: missense variant.
Genome position (GRCh38, 1-based): chr21:46,443,816, G>A. VCF-style: chr21-46443816-G-A. GRCh37 (hg19) VCF-style: chr21-47863729-G-A.
Other names: c.9116G>A, p.Arg3039Gln (NM_001315529.2); short protein forms R3236Q, R3039Q.
Identifiers: ClinVar variation 197527 (VCV000197527.61), dbSNP rs113591604, ClinGen allele CA245739.